The following is an entry in ClinVar:

NM_130466.4(UBE3B):c.2125del (p.Val709fs)

Gene: UBE3B (ubiquitin protein ligase E3B; plus strand). Cytogenetic location: 12q24.11.
Variant type: Deletion.
Coding change: c.2125del on transcript NM_130466.4 (MANE Select); coding-DNA position 2125, one base deleted (G; older notation c.2125delG).
Protein change: p.Val709fs; shifts the reading frame from valine 709.
Molecular consequence: frameshift variant.
Genome position (GRCh38, 1-based): chr12:109,521,196, G deleted; the last of 5 consecutive G bases (chr12:109,521,192-109,521,196); deleting any one gives the same sequence. VCF-style (leftmost placement, unchanged base first): chr12-109521191-AG-A. GRCh37 (hg19) VCF-style: chr12-109958996-AG-A.
Other names: c.2125del, p.Val709fs (NM_183415.3); short protein forms V709fs.
Identifiers: ClinVar variation 4879532 (VCV004879532.1).

ClinVar aggregate classification (germline): Pathogenic (1 of 4 stars; one submission).

Conditions:
Oculocerebrofacial syndrome, Kaufman type. Also called: Blepharophimosis-ptosis-intellectual disability syndrome. Identifiers: Orphanet 2707, MedGen C1855663, MONDO:0009485, OMIM 244450.

Submission:

Clinical Genomics Laboratory, Washington University in St. Louis
Classification: Pathogenic for Oculocerebrofacial syndrome, Kaufman type. Last evaluated: 2025-10-31. Review status: criteria provided, single submitter. Criteria: ACMG Guidelines, 2015. Collection method: clinical testing. Allele origin: germline. Affected: yes.
Comment: The UBE3B c.2990G>C (p.Arg997Pro) variant has been reported in two individuals affected with Kaufman oculocerebrofacial syndrome. Of those individuals, one was compound heterozygous for the variant with another pathogenic variant confirmed in trans, and the second individual was homozygous for this variant (Basel-Vanagaite L et al., PMID: 24615390). This variant is only observed on 8/1,613,792 alleles in the general population (gnomAD v4.1.0), indicating it is not a common variant. This variant resides within the HECT domain of UBE3B (amino acids 702-1068), a critical functional domain (Flex E et al., PMID: 23687348). Computational predictors indicate that the variant is damaging, evidence that correlates with impact on UBE3B function. This variant has been reported in the ClinVar database as a germline pathogenic and likely pathogenic variant, each by one submitter. Based on available information and the ACMG/AMP guidelines for variant interpretation (Richards S et al., PMID: 25741868), this variant is classified as pathogenic.The UBE3B c.2125del (p.Val709Serfs*4) variant, to our knowledge, has not been reported in the medical literature. This variant causes a frameshift by deleting a single nucleotide, leading to a premature termination codon that is predicted to lead to nonsense mediated decay. This variant is absent from the general population (gnomAD v4.1.0), indicating it is not a common variant. Based on available information and the ACMG/AMP guidelines for variant interpretation (Richards S et al., PMID: 25741868), this variant is classified as pathogenic.